The following is an entry in ClinVar:

NM_000718.4(CACNA1B):c.2065T>G (p.Phe689Val)

Gene: CACNA1B (calcium voltage-gated channel subunit alpha1 B; plus strand). Cytogenetic location: 9q34.3.
Variant type: single nucleotide variant.
Coding change: c.2065T>G on transcript NM_000718.4 (MANE Select); coding-DNA position 2065, T replaced by G.
Protein change: p.Phe689Val; replaces phenylalanine 689 with valine.
Molecular consequence: missense variant.
Genome position (GRCh38, 1-based): chr9:138,006,857, T>G. VCF-style: chr9-138006857-T-G. GRCh37 (hg19) VCF-style: chr9-140901309-T-G.
Other names: c.2065T>G, p.Phe689Val (NM_001243812.2); short protein forms F689V.
Identifiers: ClinVar variation 2093434 (VCV002093434.4), dbSNP rs2539338828, ClinGen allele CA375808546.

ClinVar aggregate classification (germline): Uncertain significance (1 of 4 stars; one submission).

Submission:

Labcorp Genetics (formerly Invitae), Labcorp
Classification: Uncertain significance. Last evaluated: 2022-02-05. Review status: criteria provided, single submitter. Criteria: Invitae Variant Classification Sherloc (09022015). Collection method: clinical testing. Allele origin: germline.
Comment: In summary, the available evidence is currently insufficient to determine the role of this variant in disease. Therefore, it has been classified as a Variant of Uncertain Significance. Advanced modeling of protein sequence and biophysical properties (such as structural, functional, and spatial information, amino acid conservation, physicochemical variation, residue mobility, and thermodynamic stability) performed at Invitae indicates that this missense variant is expected to disrupt CACNA1B protein function. This variant has not been reported in the literature in individuals affected with CACNA1B-related conditions. This variant is not present in population databases (gnomAD no frequency). This sequence change replaces phenylalanine, which is neutral and non-polar, with valine, which is neutral and non-polar, at codon 689 of the CACNA1B protein (p.Phe689Val).